The following is an entry in ClinVar:

ClinVar aggregate classification (germline): Uncertain significance. Review status: criteria provided, multiple submitters, no conflicts (2 of 4 stars). 3 submissions from 3 submitters: Uncertain significance (3). Last evaluated 2026-01-19.

Conditions:
Hereditary cancer-predisposing syndrome. Also called: Hereditary neoplastic syndrome; Hereditary Cancer Syndrome; Tumor predisposition; Neoplastic Syndromes, Hereditary. Identifiers: Orphanet 140162, MedGen C0027672, MeSH D009386, MONDO:0015356.
Familial adenomatous polyposis 1 (FAP1). Also called: POLYPOSIS, ADENOMATOUS INTESTINAL; FAMILIAL ADENOMATOUS POLYPOSIS 1, ATTENUATED. Identifiers: MedGen C2713442, MONDO:0021056, OMIM 175100. Disease mechanism: loss of function.

Submissions (3):

Labcorp Genetics (formerly Invitae), Labcorp
Classification: Uncertain significance for Familial adenomatous polyposis 1. Last evaluated: 2026-01-19. Review status: criteria provided, single submitter. Criteria: Invitae Variant Classification Sherloc (09022015). Collection method: clinical testing. Allele origin: germline.
Comment: This sequence change replaces glutamine, which is neutral and polar, with histidine, which is basic and polar, at codon 654 of the APC protein (p.Gln654His). This variant is not present in population databases (gnomAD no frequency). This variant has not been reported in the literature in individuals affected with APC-related conditions. ClinVar contains an entry for this variant (Variation ID: 2002164). Invitae Evidence Modeling of protein sequence and biophysical properties (such as structural, functional, and spatial information, amino acid conservation, physicochemical variation, residue mobility, and thermodynamic stability) indicates that this missense variant is not expected to disrupt APC protein function with a negative predictive value of 95%. In summary, the available evidence is currently insufficient to determine the role of this variant in disease. Therefore, it has been classified as a Variant of Uncertain Significance.

Quest Diagnostics Nichols Institute San Juan Capistrano
Classification: Uncertain significance. Last evaluated: 2025-06-23. Review status: criteria provided, single submitter. Criteria: Quest Diagnostics criteria. Collection method: clinical testing. Allele origin: unknown.
Comment: The APC c.1962A>T (p.Gln654His) variant has not been reported in individuals with APC-related conditions in the published literature. It also has not been reported in large, multi-ethnic general populations (Genome Aggregation Database). Analysis of this variant using bioinformatics tools for the prediction of the effect of amino acid changes on protein structure and function yielded predictions that this variant is damaging. Based on the available information, we are unable to determine the clinical significance of this variant.

Color Diagnostics, LLC DBA Color Health
Classification: Uncertain significance for Hereditary cancer-predisposing syndrome. Last evaluated: 2025-06-17. Review status: criteria provided, single submitter. Criteria: ACMG Guidelines, 2015. Collection method: clinical testing. Allele origin: germline.
Comment: This missense variant replaces glutamine with histidine at codon 654 of the APC protein. Computational prediction is inconclusive regarding the impact of this variant on protein structure and function. To our knowledge, functional studies have not been reported for this variant. This variant has not been reported in individuals affected with APC-related disorders in the literature. This variant has not been identified in the general population by the Genome Aggregation Database (gnomAD). The available evidence is insufficient to determine the role of this variant in disease conclusively. Therefore, this variant is classified as a Variant of Uncertain Significance.

NM_000038.6(APC):c.1962A>T (p.Gln654His)

Gene: APC (APC regulator of Wnt signaling pathway; plus strand). Cytogenetic location: 5q22.2.
Variant type: single nucleotide variant.
Coding change: c.1962A>T on transcript NM_000038.6 (MANE Select); coding-DNA position 1962, A replaced by T.
Protein change: p.Gln654His; replaces glutamine 654 with histidine.
Molecular consequence: missense variant.
Genome position (GRCh38, 1-based): chr5:112,837,556, A>T. VCF-style: chr5-112837556-A-T. GRCh37 (hg19) VCF-style: chr5-112173253-A-T.
Other names: c.1962A>T, p.Gln654His (NM_001127510.3, NM_001354895.2, NM_001407450.1); c.1908A>T, p.Gln636His (NM_001127511.3); c.2016A>T, p.Gln672His (NM_001354896.2, NM_001407447.1, NM_001407448.1 and 1 more transcripts); c.1992A>T, p.Gln664His (NM_001354897.2); c.1887A>T, p.Gln629His (NM_001354898.2); c.1878A>T, p.Gln626His (NM_001354899.2); c.1839A>T, p.Gln613His (NM_001354900.2); c.1785A>T, p.Gln595His (NM_001354901.2, NM_001407453.1); and 12 more; short protein forms Q270H, Q525H, Q528H, Q636H, Q654H, Q664H, Q672H, Q563H.
Identifiers: ClinVar variation 2002164 (VCV002002164.6), dbSNP rs1057523515, ClinGen allele CA16025607.